The following is an entry in ClinVar:

ClinVar aggregate classification (germline): Uncertain significance (1 of 4 stars; one submission).

Conditions:
Dilated cardiomyopathy 1G (CMD1G). Identifiers: Orphanet 154, MedGen C1858763, MONDO:0011400, OMIM 604145.
Autosomal recessive limb-girdle muscular dystrophy type 2J (LGMDR10). Also called: Limb-girdle muscular dystrophy, type 2J; MUSCULAR DYSTROPHY, LIMB-GIRDLE, AUTOSOMAL RECESSIVE 10. Identifiers: Orphanet 140922, MedGen C1837342, MONDO:0012127, OMIM 608807.

Submission:

Labcorp Genetics (formerly Invitae), Labcorp
Classification: Uncertain significance for Dilated cardiomyopathy 1G; Autosomal recessive limb-girdle muscular dystrophy type 2J. Last evaluated: 2024-05-09. Review status: criteria provided, single submitter. Criteria: Invitae Variant Classification Sherloc (09022015). Collection method: clinical testing. Allele origin: germline.
Comment: This sequence change replaces tyrosine, which is neutral and polar, with phenylalanine, which is neutral and non-polar, at codon 35320 of the TTN protein (p.Tyr35320Phe). This variant is not present in population databases (gnomAD no frequency). This variant has not been reported in the literature in individuals affected with TTN-related conditions. ClinVar contains an entry for this variant (Variation ID: 2118373). Experimental studies and prediction algorithms are not available or were not evaluated, and the functional significance of this variant is currently unknown. This variant is located in the M band of TTN (PMID: 25589632). Non-truncating variants in this region may be relevant for neuromuscular disorders, but have not been definitively shown to cause cardiomyopathy (PMID: 23975875). In summary, the available evidence is currently insufficient to determine the role of this variant in disease. Therefore, it has been classified as a Variant of Uncertain Significance.

Literature cited by the submitters: PubMed 25589632; PubMed 23975875.

NM_001267550.2(TTN):c.105959A>T (p.Tyr35320Phe)

Genes: TTN-AS1 (TTN antisense RNA 1; plus strand), TTN (titin; minus strand), LOC129935183 (ATAC-STARR-seq lymphoblastoid active region 16808; plus strand). Cytogenetic location: 2q31.2.
Variant type: single nucleotide variant.
Coding change: c.105959A>T on transcript NM_001267550.2 (MANE Select); coding-DNA position 105959, A replaced by T.
Protein change: p.Tyr35320Phe; replaces tyrosine 35320 with phenylalanine.
Molecular consequence: missense variant.
Genome position (GRCh38, 1-based): chr2:178,530,656, T>A on the plus strand (A>T on the coding strand, the complement: TTN is on the minus strand). VCF-style: chr2-178530656-T-A. GRCh37 (hg19) VCF-style: chr2-179395383-T-A.
Other names: c.101036A>T, p.Tyr33679Phe (NM_001256850.1); c.78764A>T, p.Tyr26255Phe (NM_003319.4); c.98255A>T, p.Tyr32752Phe (NM_133378.4); c.79139A>T, p.Tyr26380Phe (NM_133432.3); c.79340A>T, p.Tyr26447Phe (NM_133437.4); short protein forms Y26255F, Y32752F, Y35320F, Y26380F, Y26447F, Y33679F.
Identifiers: ClinVar variation 2118373 (VCV002118373.4), dbSNP rs1558988630, ClinGen allele CA349407349.